The following is an entry in ClinVar:

NM_018706.7(DHTKD1):c.1259G>A (p.Arg420His)

Gene: DHTKD1 (dehydrogenase E1 and transketolase domain containing 1; plus strand). Cytogenetic location: 10p14.
Variant type: single nucleotide variant.
Coding change: c.1259G>A on transcript NM_018706.7 (MANE Select); coding-DNA position 1259, G replaced by A.
Protein change: p.Arg420His; replaces arginine 420 with histidine.
Molecular consequence: missense variant.
Genome position (GRCh38, 1-based): chr10:12,094,172, G>A. VCF-style: chr10-12094172-G-A. GRCh37 (hg19) VCF-style: chr10-12136171-G-A.
Other names: c.1259G>A (NM_018706.5); short protein forms R420H.
Identifiers: ClinVar variation 1405825 (VCV001405825.8), dbSNP rs200039178, ClinGen allele CA202584377.
Genomic context (GRCh38, chr10:12,094,172, plus strand): 5'-ACAGCCCAGAGGAAGTGGTCCGTGCCACACGACTGGCTTTTGAATACCAACGCCAGTTCC[G>A]CAAGGATGTGATTATTGATCTGTTGTGCTACAGGCAGTGGGGCCACAATGAGCTGGATGA-3'
Protein context (NP_061176.4, residues 410-430): RLAFEYQRQF[Arg420His]KDVIIDLLCY

ClinVar aggregate classification (germline): Uncertain significance. Review status: criteria provided, multiple submitters, no conflicts (2 of 4 stars). 3 submissions from 3 submitters: Uncertain significance (3). Last evaluated 2025-02-27.

Conditions:
Inborn genetic diseases. Identifiers: MedGen C0950123, MeSH D030342.
2-aminoadipic 2-oxoadipic aciduria (AAKAD). Also called: Aminoadipic aciduria; ALPHA-AMINOADIPIC AND ALPHA-KETOADIPIC ACIDURIA. Identifiers: Orphanet 79154, MedGen C1859817, MONDO:0008774, OMIM 204750.

gnomAD v4.1: 26 of 1,614,026 alleles (0.0016%); highest among the groups gnomAD compares: African/African-American, 0.008%; no homozygotes.

Submissions (3):

Labcorp Genetics (formerly Invitae), Labcorp
Classification: Uncertain significance for 2-aminoadipic 2-oxoadipic aciduria. Last evaluated: 2025-02-27. Review status: criteria provided, single submitter. Criteria: Invitae Variant Classification Sherloc (09022015). Collection method: clinical testing. Allele origin: germline.
Comment: This sequence change replaces arginine, which is basic and polar, with histidine, which is basic and polar, at codon 420 of the DHTKD1 protein (p.Arg420His). This variant is present in population databases (rs200039178, gnomAD 0.008%). This variant has not been reported in the literature in individuals affected with DHTKD1-related conditions. ClinVar contains an entry for this variant (Variation ID: 1405825). Invitae Evidence Modeling of protein sequence and biophysical properties (such as structural, functional, and spatial information, amino acid conservation, physicochemical variation, residue mobility, and thermodynamic stability) indicates that this missense variant is not expected to disrupt DHTKD1 protein function with a negative predictive value of 80%. In summary, the available evidence is currently insufficient to determine the role of this variant in disease. Therefore, it has been classified as a Variant of Uncertain Significance.

Ambry Genetics
Classification: Uncertain significance for Inborn genetic diseases. Last evaluated: 2024-02-22. Review status: criteria provided, single submitter. Criteria: Ambry Variant Classification Scheme 2023. Collection method: clinical testing. Allele origin: germline.

Breakthrough Genomics
Classification: Uncertain significance. Review status: criteria provided, single submitter. Criteria: ACMG Guidelines, 2015. Collection method: not provided. Allele origin: germline. Inheritance: Autosomal recessive inheritance. Affected: yes.